The following is an entry in ClinVar:

ClinVar aggregate classification (germline): Uncertain significance (1 of 4 stars; one submission).

Allele frequency attached by ClinVar (database versions not stated): gnomAD exomes below 0.00001; TOPMed 0.00001.
gnomAD v4.1: 1 of 1,614,206 alleles (0.000062%); highest among the groups gnomAD compares: Admixed American, 0.0017%; no homozygotes.

Submission:

Ambry Genetics
Classification: Uncertain significance. Last evaluated: 2024-06-04. Review status: criteria provided, single submitter. Criteria: Ambry Variant Classification Scheme 2023. Collection method: clinical testing. Allele origin: germline.
Comment: The p.Q718R variant (also known as c.2153A>G), located in coding exon 4 of the ALPK2 gene, results from an A to G substitution at nucleotide position 2153. The glutamine at codon 718 is replaced by arginine, an amino acid with highly similar properties. This amino acid position is conserved. In addition, this alteration is predicted to be tolerated by in silico analysis. Since supporting evidence is limited at this time, the clinical significance of this alteration remains unclear.

NM_052947.4(ALPK2):c.2153A>G (p.Gln718Arg)

Gene: ALPK2 (alpha kinase 2; minus strand). Cytogenetic location: 18q21.31.
Variant type: single nucleotide variant.
Coding change: c.2153A>G on transcript NM_052947.4 (MANE Select); coding-DNA position 2153, A replaced by G.
Protein change: p.Gln718Arg; replaces glutamine 718 with arginine.
Molecular consequence: missense variant.
Genome position (GRCh38, 1-based): chr18:58,538,034, T>C on the plus strand (A>G on the coding strand, the complement: ALPK2 is on the minus strand). VCF-style: chr18-58538034-T-C. GRCh37 (hg19) VCF-style: chr18-56205266-T-C.
Other names: short protein forms Q718R.
Identifiers: ClinVar variation 1786780 (VCV001786780.3), dbSNP rs1457966197, ClinGen allele CA402571419.